The following is an entry in ClinVar:

ClinVar aggregate classification (germline): Pathogenic/Likely pathogenic. Review status: criteria provided, multiple submitters, no conflicts (2 of 4 stars). 3 submissions from 3 submitters: Pathogenic (1); Likely pathogenic (1). 1 of the submissions does not count toward it. Last evaluated 2024-11-15.

Conditions:
Familial thoracic aortic aneurysm and aortic dissection (TAAD). Also called: Thoracic aortic aneurysms and dissections. Identifiers: Orphanet 91387, MedGen C4707243, MONDO:0019625.
Marfan syndrome (MFS). Also called: FBN1-Related Marfan Syndrome; Marfan syndrome, classic; MARFAN SYNDROME, TYPE I; Marfan syndrome type 1; Marfan's syndrome. Identifiers: Orphanet 284963, Orphanet 558, MedGen C0024796, MONDO:0007947, OMIM 154700.

Submissions (3):

Ambry Genetics
Classification: Pathogenic for Familial thoracic aortic aneurysm and aortic dissection. Last evaluated: 2024-11-15. Review status: criteria provided, single submitter. Criteria: Ambry Variant Classification Scheme 2023. Collection method: clinical testing. Allele origin: germline.
Comment: The p.Q1957* pathogenic mutation (also known as c.5869C>T), located in coding exon 47 of the FBN1 gene, results from a C to T substitution at nucleotide position 5869. This changes the amino acid from a glutamine to a stop codon within coding exon 47. This variant was reported in individuals with features consistent with Marfan syndrome (Lerner-Ellis JP et al. Mol Genet Metab, 2014 Jun;112:171-6; Baudhuin LM et al. J Hum Genet, 2015 May;60:241-52). This variant is considered to be rare based on population cohorts in the Genome Aggregation Database (gnomAD). In addition to the clinical data presented in the literature, this alteration is expected to result in loss of function by premature protein truncation or nonsense-mediated mRNA decay. As such, this alteration is interpreted as a disease-causing mutation.

Laboratory for Molecular Medicine, Mass General Brigham Personalized Medicine
Classification: Likely pathogenic for Marfan syndrome. Last evaluated: 2009-08-21. Review status: criteria provided, single submitter. Criteria: LMM Criteria. Collection method: clinical testing. Allele origin: germline. Observed: 1 variant allele.

Center for Medical Genetics Ghent, University of Ghent
Classification: Likely pathogenic for Marfan syndrome. Last evaluated: 2017-11-07. Review status: no assertion criteria provided. Collection method: clinical testing. Allele origin: germline. Affected: yes. Not counted in ClinVar's aggregate classification.

Literature cited by the submitters: PubMed 24793577 (cited by Ambry Genetics); PubMed 25652356 (cited by Ambry Genetics).

NM_000138.5(FBN1):c.5869C>T (p.Gln1957Ter)

Gene: FBN1 (fibrillin 1; minus strand). Cytogenetic location: 15q21.1.
Variant type: single nucleotide variant.
Coding change: c.5869C>T on transcript NM_000138.5 (MANE Select); coding-DNA position 5869, C replaced by T.
Protein change: p.Gln1957Ter; replaces glutamine 1957 with a stop codon.
Molecular consequence: nonsense.
Genome position (GRCh38, 1-based): chr15:48,445,424, G>A on the plus strand (C>T on the coding strand, the complement: FBN1 is on the minus strand). VCF-style: chr15-48445424-G-A. GRCh37 (hg19) VCF-style: chr15-48737621-G-A.
Other names: short protein forms Q1957*.
Identifiers: ClinVar variation 42396 (VCV000042396.5), dbSNP rs397515829, ClinGen allele CA016139.
Genomic context (GRCh38, chr15:48,445,424, plus strand): 5'-TCCTGTACTTACCCACACAGGTCCTCCCATCTGGAGCCACCTCATAGCCTTCATTGCACT[G>A]GCACTGGAAAGACCCCACTGTATTAATGCATTGGCCATTTCTGCAAAGATTCCCATTTCC-3'